The following is an entry in ClinVar:

NM_001374736.1(DST):c.15136+20A>G

Gene: DST (dystonin; minus strand). Cytogenetic location: 6p12.1.
Variant type: single nucleotide variant.
Coding change: c.15136+20A>G on transcript NM_001374736.1 (MANE Select); 20 bases into the intron after coding-DNA position 15136, A replaced by G.
Molecular consequence: intron variant.
Genome position (GRCh38, 1-based): chr6:56,555,325, T>C on the plus strand (A>G on the coding strand, the complement: DST is on the minus strand). VCF-style: chr6-56555325-T-C. GRCh37 (hg19) VCF-style: chr6-56420123-T-C.
Other names: c.8779+20A>G (NM_001144769.5); c.15136+20A>G (NM_001374722.1); c.15163+20A>G (NM_001374734.1); c.8365+20A>G (NM_001144770.2); c.8245+20A>G (NM_001374730.1, NM_001386100.1, NM_183380.4); c.14503+20A>G (NM_001374729.1); c.7267+20A>G (NM_015548.5).
Identifiers: ClinVar variation 2929308 (VCV002929308.3), dbSNP rs774681834, ClinGen allele CA567376264.

ClinVar aggregate classification (germline): Uncertain significance (1 of 4 stars; one submission).

Conditions:
Hereditary sensory and autonomic neuropathy type 6. Also called: HSAN VI; Neuropathy, hereditary sensory and autonomic, type VI. Identifiers: Orphanet 314381, MedGen C3539003, MONDO:0013839, OMIM 614653.
Epidermolysis bullosa simplex 3, localized or generalized intermediate, with BP230 deficiency (EBS3). Also called: Epidermolysis bullosa simplex, autosomal recessive 2; Epidermolysis bullosa simplex due to BP230 deficiency. Identifiers: Orphanet 412181, MedGen C3809470, MONDO:0014180, OMIM 615425.

Allele frequency attached by ClinVar (database versions not stated): TOPMed 0.00001.
gnomAD v4.1: 5 of 1,538,932 alleles (0.00032%); highest among the groups gnomAD compares: Non-Finnish European, 0.00044%; no homozygotes.

Submission:

Labcorp Genetics (formerly Invitae), Labcorp
Classification: Uncertain significance for Epidermolysis bullosa simplex 3, localized or generalized intermediate, with BP230 deficiency; Hereditary sensory and autonomic neuropathy type 6. Last evaluated: 2023-08-29. Review status: criteria provided, single submitter. Criteria: Invitae Variant Classification Sherloc (09022015). Collection method: clinical testing. Allele origin: germline.
Comment: This sequence change falls in intron 41 of the DST gene. It does not directly change the encoded amino acid sequence of the DST protein. In summary, the available evidence is currently insufficient to determine the role of this variant in disease. Therefore, it has been classified as a Variant of Uncertain Significance. Experimental studies and prediction algorithms are not available or were not evaluated, and the effect of this variant on mRNA splicing is currently unknown. This variant has not been reported in the literature in individuals affected with DST-related conditions. This variant is not present in population databases (gnomAD no frequency). The DST gene has multiple clinically relevant transcripts. This variant occurs in alternate transcript NM_015548.4, and corresponds to NM_001723.5:c.*60192A>Gin the primary transcript.